The following is an entry in ClinVar:

NM_000176.3(NR3C1):c.1242A>G (p.Thr414=)

Gene: NR3C1 (nuclear receptor subfamily 3 group C member 1; minus strand). Cytogenetic location: 5q31.3.
Variant type: single nucleotide variant.
Coding change: c.1242A>G on transcript NM_000176.3 (MANE Select); coding-DNA position 1242, A replaced by G.
Protein change: p.Thr414=; no amino-acid change (threonine 414 retained).
Molecular consequence: synonymous variant. On other transcripts: non-coding transcript variant (1).
Genome position (GRCh38, 1-based): chr5:143,314,111, T>C on the plus strand (A>G on the coding strand, the complement: NR3C1 is on the minus strand). VCF-style: chr5-143314111-T-C. GRCh37 (hg19) VCF-style: chr5-142693676-T-C.
Other names: c.1242A>G, p.Thr414= (NM_001018074.1, NM_001018075.1, NM_001018076.2 and 10 more transcripts); c.1164A>G, p.Thr388= (NM_001204258.2); c.987A>G, p.Thr329= (NM_001204259.2); c.975A>G, p.Thr325= (NM_001204260.2); c.951A>G, p.Thr317= (NM_001204261.2); c.297A>G, p.Thr99= (NM_001204262.2); c.252A>G, p.Thr84= (NM_001204263.2); c.237A>G, p.Thr79= (NM_001204264.2).
Identifiers: ClinVar variation 351369 (VCV000351369.15), dbSNP rs67902340, ClinGen allele CA3486909.

ClinVar aggregate classification (germline): Benign/Likely benign. Review status: criteria provided, multiple submitters, no conflicts (2 of 4 stars). 3 submissions from 3 submitters: Benign (1); Likely benign (2). Last evaluated 2025-06-12.

Conditions:
Glucocorticoid resistance. Also called: Glucocorticoid resistance, generalized; Gccr deficiency; Glucocorticoid receptor deficiency; Cortisol resistance from glucocorticoid receptor defect; Gcr deficiency. Identifiers: Orphanet 786, MedGen C1841972, MONDO:0014421, OMIM 615962.

Allele frequency attached by ClinVar (database versions not stated): ESP Exome Variant Server 0.00015; gnomAD 0.00061 and 0.00099; gnomAD exomes 0.00070 and 0.00237; TOPMed 0.00098; ExAC 0.00214; 1000 Genomes Project 30x 0.00609; 1000 Genomes Project 0.00639.
gnomAD v4.1: 1,260 of 1,613,800 alleles (0.078%); highest among the groups gnomAD compares: East Asian, 1.9%; 17 homozygotes.

Submissions (3):

Labcorp Genetics (formerly Invitae), Labcorp
Classification: Benign. Last evaluated: 2025-06-12. Review status: criteria provided, single submitter. Criteria: Invitae Variant Classification Sherloc (09022015). Collection method: clinical testing. Allele origin: germline.

Fulgent Genetics
Classification: Likely benign for Glucocorticoid resistance. Last evaluated: 2021-07-22. Review status: criteria provided, single submitter. Criteria: ACMG Guidelines, 2015. Collection method: clinical testing. Allele origin: unknown.

Illumina Laboratory Services, Illumina
Classification: Likely benign for Glucocorticoid resistance. Last evaluated: 2018-01-13. Review status: criteria provided, single submitter. Criteria: ICSL Variant Classification Criteria 13 December 2019. Collection method: clinical testing. Allele origin: germline.
Comment: This variant was observed in the ICSL laboratory as part of a predisposition screen in an ostensibly healthy population. It had not been previously curated by ICSL or reported in the Human Gene Mutation Database (HGMD: prior to June 1st, 2018), and was therefore a candidate for classification through an automated scoring system. Utilizing variant allele frequency, disease prevalence and penetrance estimates, and inheritance mode, an automated score was calculated to assess if this variant is too frequent to cause the disease. Based on the score and internal cut-off values, a variant classified as likely benign is not then subjected to further curation. The score for this variant resulted in a classification of likely benign for this disease.